The following is an entry in ClinVar:

NM_005591.4(MRE11):c.1326G>A (p.Lys442=)

Gene: MRE11 (MRE11 double strand break repair nuclease; minus strand). Cytogenetic location: 11q21.
Variant type: single nucleotide variant.
Coding change: c.1326G>A on transcript NM_005591.4 (MANE Select); coding-DNA position 1326, G replaced by A.
Protein change: p.Lys442=; no amino-acid change (lysine 442 retained).
Molecular consequence: synonymous variant.
Genome position (GRCh38, 1-based): chr11:94,460,936, C>T on the plus strand (G>A on the coding strand, the complement: MRE11 is on the minus strand). VCF-style: chr11-94460936-C-T. GRCh37 (hg19) VCF-style: chr11-94194102-C-T.
Other names: c.1326G>A, p.Lys442= (NM_001330347.2, NM_005590.4).
Identifiers: ClinVar variation 818939 (VCV000818939.6), dbSNP rs1591674710, ClinGen allele CA476282137.

ClinVar aggregate classification (germline): Uncertain significance. Review status: criteria provided, multiple submitters, no conflicts (2 of 4 stars). 2 submissions from 2 submitters: Uncertain significance (2). Last evaluated 2026-02-13.

Conditions:
Ataxia-telangiectasia-like disorder 1 (ATLD1). Identifiers: Orphanet 251347, MedGen C4012790, MONDO:0024557, OMIM 604391.
Hereditary cancer-predisposing syndrome. Also called: Tumor predisposition; Neoplastic Syndromes, Hereditary; Hereditary Cancer Syndrome; Hereditary neoplastic syndrome. Identifiers: Orphanet 140162, MedGen C0027672, MeSH D009386, MONDO:0015356.

Submissions (2):

Ambry Genetics
Classification: Uncertain significance for Hereditary cancer-predisposing syndrome. Last evaluated: 2026-02-13. Review status: criteria provided, single submitter. Criteria: Ambry Variant Classification Scheme 2023. Collection method: clinical testing. Allele origin: germline.
Comment: The c.1326G>A variant (also known as p.K442K), located in coding exon 11 of the MRE11A gene, results from a G to A substitution at nucleotide position 1326. This nucleotide substitution does not change the lysine at codon 442. However, this change occurs in the last base pair of coding exon 11, which makes it likely to have some effect on normal mRNA splicing. This nucleotide position is well conserved in available vertebrate species. In silico splice site analysis predicts that this alteration may weaken the native splice donor site and may result in the creation or strengthening of a novel splice donor site. Based on the available evidence, the clinical significance of this variant remains unclear.

Fulgent Genetics
Classification: Uncertain significance for Ataxia-telangiectasia-like disorder 1. Last evaluated: 2022-04-05. Review status: criteria provided, single submitter. Criteria: ACMG Guidelines, 2015. Collection method: clinical testing. Allele origin: unknown.